The following is an entry in ClinVar:

NM_006455.3(P3H4):c.132G>A (p.Leu44=)

Genes: P3H4 (prolyl 3-hydroxylase family member 4 (inactive); minus strand), LOC130060848 (ATAC-STARR-seq lymphoblastoid silent region 8500; plus strand). Cytogenetic location: 17q21.2.
Variant type: single nucleotide variant.
Coding change: c.132G>A on transcript NM_006455.3 (MANE Select); coding-DNA position 132, G replaced by A.
Protein change: p.Leu44=; no amino-acid change (leucine 44 retained).
Molecular consequence: synonymous variant.
Genome position (GRCh38, 1-based): chr17:41,811,784, C>T on the plus strand (G>A on the coding strand, the complement: P3H4 is on the minus strand). VCF-style: chr17-41811784-C-T. GRCh37 (hg19) VCF-style: chr17-39968036-C-T.
Identifiers: ClinVar variation 2647774 (VCV002647774.24), dbSNP rs374292116, ClinGen allele CA8566037.

ClinVar aggregate classification (germline): Likely benign (1 of 4 stars; one submission).

Allele frequency attached by ClinVar (database versions not stated): 1000 Genomes Project 30x 0.00016; ESP Exome Variant Server 0.00035; TOPMed 0.00058; gnomAD 0.00118; ExAC 0.00282.

Submission:

CeGaT Center for Human Genetics Tuebingen
Classification: Likely benign. Last evaluated: 2022-04-01. Review status: criteria provided, single submitter. Criteria: CeGaT Center For Human Genetics Tuebingen Variant Classification Criteria Version 2. Collection method: clinical testing. Allele origin: germline. Affected: yes. Observed: 1 variant allele.
Comment: P3H4: BP4, BP7